The following is an entry in ClinVar:

ClinVar aggregate classification (germline): Uncertain significance (1 of 4 stars; one submission).

Conditions:
Hereditary sensory and autonomic neuropathy type 1 (HSAN1). Also called: HSAN 1; HSN Type I; Hereditary Sensory Neuropathy Type I. Identifiers: Orphanet 36386, MedGen C0020071, MONDO:0018213.

Submission:

Labcorp Genetics (formerly Invitae), Labcorp
Classification: Uncertain significance for Hereditary sensory and autonomic neuropathy type 1. Last evaluated: 2023-10-06. Review status: criteria provided, single submitter. Criteria: Invitae Variant Classification Sherloc (09022015). Collection method: clinical testing. Allele origin: germline.
Comment: This sequence change creates a premature translational stop signal (p.Tyr265*) in the SPTLC1 gene. It is expected to result in an absent or disrupted protein product. However, the current clinical and genetic evidence is not sufficient to establish whether loss-of-function variants in SPTLC1 cause disease. This variant is not present in population databases (gnomAD no frequency). This variant has not been reported in the literature in individuals affected with SPTLC1-related conditions. Algorithms developed to predict the effect of sequence changes on RNA splicing suggest that this variant may disrupt the consensus splice site. In summary, the available evidence is currently insufficient to determine the role of this variant in disease. Therefore, it has been classified as a Variant of Uncertain Significance.

NM_006415.4(SPTLC1):c.795C>G (p.Tyr265Ter)

Gene: SPTLC1 (serine palmitoyltransferase long chain base subunit 1; minus strand). Cytogenetic location: 9q22.31.
Variant type: single nucleotide variant.
Coding change: c.795C>G on transcript NM_006415.4 (MANE Select); coding-DNA position 795, C replaced by G.
Protein change: p.Tyr265Ter; replaces tyrosine 265 with a stop codon.
Molecular consequence: nonsense.
Genome position (GRCh38, 1-based): chr9:92,050,053, G>C on the plus strand (C>G on the coding strand, the complement: SPTLC1 is on the minus strand). VCF-style: chr9-92050053-G-C. GRCh37 (hg19) VCF-style: chr9-94812335-G-C.
Other names: c.795C>G, p.Tyr265Ter (NM_001281303.2); c.429C>G, p.Tyr143Ter (NM_001368272.1); c.330C>G, p.Tyr110Ter (NM_001368273.1); short protein forms Y265*, Y110*, Y143*.
Identifiers: ClinVar variation 2716624 (VCV002716624.3), dbSNP rs150756641, ClinGen allele CA373793921.
Genomic context (GRCh38, chr9:92,050,053, plus strand): 5'-ATGCTCTCCTAGGACTCCAAATGAAAGGCTTTCCTCCAGGAAGATTCTTGCTTTGTATTT[G>C]TATTTTAACTTAACCTAAGTGTTATATAAACGTTAAAATACTAATGATTAGCACCATATA-3'